The following is an entry in ClinVar:

NM_001148.6(ANK2):c.11761C>T (p.Gln3921Ter)

Gene: ANK2 (ankyrin 2; plus strand). Cytogenetic location: 4q26.
Variant type: single nucleotide variant.
Coding change: c.11761C>T on transcript NM_001148.6 (MANE Select); coding-DNA position 11761, C replaced by T.
Protein change: p.Gln3921Ter; replaces glutamine 3921 with a stop codon.
Molecular consequence: nonsense. On other transcripts: intron variant (9).
Genome position (GRCh38, 1-based): chr4:113,373,351, C>T. VCF-style: chr4-113373351-C-T. GRCh37 (hg19) VCF-style: chr4-114294507-C-T.
Other names: p.Gln3921*; c.5479C>T, p.Gln1827Ter (NM_001127493.3); c.5518C>T, p.Gln1840Ter (NM_001354225.2); c.5500C>T, p.Gln1834Ter (NM_001354228.2); c.5485C>T, p.Gln1829Ter (NM_001354230.2); c.5641C>T, p.Gln1881Ter (NM_001354231.2); c.5635C>T, p.Gln1879Ter (NM_001354232.2); c.5596C>T, p.Gln1866Ter (NM_001354235.2); and 51 more; short protein forms Q1012*, Q1019*, Q1024*, Q1675*, Q1708*, Q1736*, Q1741*, Q1749*.
Identifiers: ClinVar variation 985692 (VCV000985692.9), dbSNP rs768327292, ClinGen allele CA3052372.
Genomic context (GRCh38, chr4:113,373,351, plus strand): 5'-AGGAAAATCATTAGGCGGTATGTATCCTCTGAAGGCACAGAGAAAGAAGAGATTATGGTG[C>T]AGGGAATGCCACAGGAACCTGTCAACATCGAGGAAGGGGATGGCTATTCCAAAGTTATAA-3'

ClinVar aggregate classification (germline): Pathogenic/Likely pathogenic. Review status: criteria provided, multiple submitters, no conflicts (2 of 4 stars). 3 submissions from 3 submitters: Pathogenic (2); Likely pathogenic (1). Last evaluated 2026-04-14.

Conditions:
Cardiac arrhythmia, ankyrin-B-related. Also called: ANKYRIN-B SYNDROME. Identifiers: Orphanet 101016, Orphanet 768, MedGen C1970119, MONDO:0010958, OMIM 600919.
Cardiovascular phenotype. Identifiers: MedGen CN230736.

Allele frequency attached by ClinVar (database versions not stated): gnomAD exomes below 0.00001; gnomAD 0.00001; TOPMed 0.00001; ExAC 0.00001.
gnomAD v4.1: 3 of 1,613,974 alleles (0.00019%); highest among the groups gnomAD compares: Middle Eastern, 0.016%; no homozygotes.

Submissions (3):

GeneDx
Classification: Likely pathogenic. Last evaluated: 2026-04-14. Review status: criteria provided, single submitter. Criteria: GeneDx Variant Classification Process June 2021. Collection method: clinical testing. Allele origin: germline.
Comment: Identified in several patients with a neurodevelopmental disorder; however, further clinical details and segregation information was not provided (PMID: 28191889, 37506195); Nonsense variant predicted to result in protein truncation or nonsense mediated decay in a gene for which loss of function is a known mechanism of disease; Not observed at significant frequency in large population cohorts (gnomAD); This variant is associated with the following publications: (PMID: 28191889, 37506195)

Molecular Genetics and NGS Laboratory, Hospital Fundacion Valle Del Lili
Classification: Pathogenic for Cardiac arrhythmia, ankyrin-B-related. Last evaluated: 2024-04-09. Review status: criteria provided, single submitter. Criteria: ACMG Guidelines, 2015. Collection method: clinical testing. Allele origin: germline. Affected: yes. Observed: 1 variant allele.

Ambry Genetics
Classification: Pathogenic for Cardiovascular phenotype. Last evaluated: 2023-06-01. Review status: criteria provided, single submitter. Criteria: Ambry Variant Classification Scheme 2023. Collection method: clinical testing. Allele origin: germline.
Comment: The p.Q3921* pathogenic mutation (also known as c.11761C>T), located in coding exon 45 of the ANK2 gene, results from a C to T substitution at nucleotide position 11761. This changes the amino acid from a glutamine to a stop codon within coding exon 45. This variant has been detected in an individual from a neurodevelopmental disorders cohort as well as in a control individual; however, details were limited (Stessman HA et al. Nat Genet, 2017 Apr;49:515-526). This variant is considered to be rare based on population cohorts in the Genome Aggregation Database (gnomAD). This alteration is expected to result in loss of function by premature protein truncation or nonsense-mediated mRNA decay. Based on the supporting evidence, this variant is expected to be causative of ANK2-related neurodevelopmental disorder. However, the evidence for the gene-disease relationship is limited for cardiac disease; therefore, the clinical significance of this alteration for ANK2-related arrhythmia is unclear.